The following is an entry in ClinVar:

ClinVar aggregate classification (germline): Uncertain significance. Review status: criteria provided, multiple submitters, no conflicts (2 of 4 stars). 2 submissions from 2 submitters: Uncertain significance (2). Last evaluated 2025-09-27.

Conditions:
Hereditary cancer-predisposing syndrome. Also called: Hereditary Cancer Syndrome; Hereditary neoplastic syndrome; Tumor predisposition; Neoplastic Syndromes, Hereditary. Identifiers: Orphanet 140162, MedGen C0027672, MeSH D009386, MONDO:0015356.
Familial meningioma. Also called: Meningioma, familial, susceptibility to. Identifiers: Orphanet 263662, MedGen C3551915, MONDO:0011789, OMIM 607174.

Submissions (2):

Ambry Genetics
Classification: Uncertain significance for Hereditary cancer-predisposing syndrome. Last evaluated: 2025-09-27. Review status: criteria provided, single submitter. Criteria: Ambry Variant Classification Scheme 2023. Collection method: clinical testing. Allele origin: germline.
Comment: The p.E168V variant (also known as c.503A>T), located in coding exon 6 of the SMARCE1 gene, results from an A to T substitution at nucleotide position 503. The glutamic acid at codon 168 is replaced by valine, an amino acid with dissimilar properties. This amino acid position is conserved. In addition, the in silico prediction for this alteration is inconclusive. Based on the available evidence, the clinical significance of this variant remains unclear.

Labcorp Genetics (formerly Invitae), Labcorp
Classification: Uncertain significance for Familial meningioma. Last evaluated: 2024-01-05. Review status: criteria provided, single submitter. Criteria: Invitae Variant Classification Sherloc (09022015). Collection method: clinical testing. Allele origin: germline.
Comment: This sequence change replaces glutamic acid, which is acidic and polar, with valine, which is neutral and non-polar, at codon 168 of the SMARCE1 protein (p.Glu168Val). This variant is not present in population databases (gnomAD no frequency). This variant has not been reported in the literature in individuals affected with SMARCE1-related conditions. ClinVar contains an entry for this variant (Variation ID: 1963027). Advanced modeling of protein sequence and biophysical properties (such as structural, functional, and spatial information, amino acid conservation, physicochemical variation, residue mobility, and thermodynamic stability) has been performed at Invitae for this missense variant, however the output from this modeling did not meet the statistical confidence thresholds required to predict the impact of this variant on SMARCE1 protein function. In summary, the available evidence is currently insufficient to determine the role of this variant in disease. Therefore, it has been classified as a Variant of Uncertain Significance.

NM_003079.5(SMARCE1):c.503A>T (p.Glu168Val)

Gene: SMARCE1 (SWI/SNF related BAF chromatin remodeling complex subunit E1; minus strand). Cytogenetic location: 17q21.2.
Variant type: single nucleotide variant.
Coding change: c.503A>T on transcript NM_003079.5 (MANE Select); coding-DNA position 503, A replaced by T.
Protein change: p.Glu168Val; replaces glutamic acid 168 with valine.
Molecular consequence: missense variant.
Genome position (GRCh38, 1-based): chr17:40,635,969, T>A on the plus strand (A>T on the coding strand, the complement: SMARCE1 is on the minus strand). VCF-style: chr17-40635969-T-A. GRCh37 (hg19) VCF-style: chr17-38792221-T-A.
Other names: short protein forms E168V.
Identifiers: ClinVar variation 1963027 (VCV001963027.6), dbSNP rs2508603569, ClinGen allele CA399366315.